The following is an entry in ClinVar:

ClinVar aggregate classification (germline): Likely benign. Review status: criteria provided, single submitter (1 of 4 stars). 2 submissions from 2 submitters: Likely benign (1). 1 of the submissions does not count toward it. Last evaluated 2024-03-31.

Conditions:
PLXNA1-related disorder. Also called: PLXNA1-related condition.

gnomAD v4.1: 48 of 1,613,552 alleles (0.003%); highest among the groups gnomAD compares: Non-Finnish European, 0.0036%; no homozygotes.

Submissions (2):

Labcorp Genetics (formerly Invitae), Labcorp
Classification: Likely benign. Last evaluated: 2024-03-31. Review status: criteria provided, single submitter. Criteria: Invitae Variant Classification Sherloc (09022015). Collection method: clinical testing. Allele origin: germline.

PreventionGenetics, part of Exact Sciences
Classification: Likely benign for PLXNA1-related condition. Last evaluated: 2024-09-14. Review status: no assertion criteria provided. Collection method: clinical testing. Allele origin: germline. Not counted in ClinVar's aggregate classification.
Comment: This variant is classified as likely benign based on ACMG/AMP sequence variant interpretation guidelines (Richards et al. 2015 PMID: 25741868, with internal and published modifications).

NM_032242.4(PLXNA1):c.654C>T (p.Phe218=)

Gene: PLXNA1 (plexin A1; plus strand). Cytogenetic location: 3q21.3.
Variant type: single nucleotide variant.
Coding change: c.654C>T on transcript NM_032242.4 (MANE Select); coding-DNA position 654, C replaced by T.
Protein change: p.Phe218=; no amino-acid change (phenylalanine 218 retained).
Molecular consequence: synonymous variant.
Genome position (GRCh38, 1-based): chr3:126,989,247, C>T. VCF-style: chr3-126989247-C-T. GRCh37 (hg19) VCF-style: chr3-126708090-C-T.
Identifiers: ClinVar variation 3354096 (VCV003354096.3).